The following is an entry in ClinVar:

NM_181872.6(DMRT2):c.180AGA[1] (p.Glu62del)

Gene: DMRT2 (doublesex and mab-3 related transcription factor 2; plus strand). Cytogenetic location: 9p24.3.
Variant type: Microsatellite.
Coding change: c.180AGA[1] on transcript NM_181872.6 (MANE Select); one copy of the 3-base unit AGA starting at c.180; the reference has two copies in a row; one copy, 3 bases deleted.
Protein change: p.Glu62del; deletes glutamic acid 62.
Molecular consequence: inframe deletion. On other transcripts: 5 prime UTR variant (1), non-coding transcript variant (1).
Genome position (GRCh38, 1-based): chr9:1,051,796-1,051,798, AGA deleted; deleting any 3 consecutive bases within chr9:1,051,791-1,051,798 gives the same sequence; the position shown is the placement nearest the transcript's 3' end. VCF-style (leftmost placement, unchanged base first): chr9-1051790-GGAA-G. GRCh37 (hg19) VCF-style: chr9-1051790-GGAA-G.
Other names: c.180AGA[1], p.Glu62del (NM_001130865.3, NM_001370531.1, NM_001370533.1 and 4 more transcripts); c.-471AGA[1] (NM_001370532.1); short protein forms E62del.
Identifiers: ClinVar variation 1475444 (VCV001475444.6), dbSNP rs758272103, ClinGen allele CA4962305.

ClinVar aggregate classification (germline): Uncertain significance (1 of 4 stars; one submission).

Submission:

Labcorp Genetics (formerly Invitae), Labcorp
Classification: Uncertain significance. Last evaluated: 2022-07-12. Review status: criteria provided, single submitter. Criteria: Invitae Variant Classification Sherloc (09022015). Collection method: clinical testing. Allele origin: germline.
Comment: The frequency data for this variant in the population databases is considered unreliable, as metrics indicate poor data quality at this position in the gnomAD database. This variant, c.183_185del, results in the deletion of 1 amino acid(s) of the DMRT2 protein (p.Glu62del), but otherwise preserves the integrity of the reading frame. This variant has not been reported in the literature in individuals affected with DMRT2-related conditions. Experimental studies and prediction algorithms are not available or were not evaluated, and the functional significance of this variant is currently unknown. In summary, the available evidence is currently insufficient to determine the role of this variant in disease. Therefore, it has been classified as a Variant of Uncertain Significance.